The following is an entry in ClinVar:

NM_001084.5(PLOD3):c.1429C>T (p.Pro477Ser)

Gene: PLOD3 (procollagen-lysine,2-oxoglutarate 5-dioxygenase 3; minus strand). Cytogenetic location: 7q22.1.
Variant type: single nucleotide variant.
Coding change: c.1429C>T on transcript NM_001084.5 (MANE Select); coding-DNA position 1429, C replaced by T.
Protein change: p.Pro477Ser; replaces proline 477 with serine.
Molecular consequence: missense variant.
Genome position (GRCh38, 1-based): chr7:101,210,603, G>A on the plus strand (C>T on the coding strand, the complement: PLOD3 is on the minus strand). VCF-style: chr7-101210603-G-A. GRCh37 (hg19) VCF-style: chr7-100853884-G-A.
Other names: short protein forms P477S.
Identifiers: ClinVar variation 3665912 (VCV003665912.2).

ClinVar aggregate classification (germline): Uncertain significance (1 of 4 stars; one submission).

Submission:

Labcorp Genetics (formerly Invitae), Labcorp
Classification: Uncertain significance. Last evaluated: 2024-09-30. Review status: criteria provided, single submitter. Criteria: Invitae Variant Classification Sherloc (09022015). Collection method: clinical testing. Allele origin: germline.
Comment: This sequence change replaces proline, which is neutral and non-polar, with serine, which is neutral and polar, at codon 477 of the PLOD3 protein (p.Pro477Ser). This variant is not present in population databases (gnomAD no frequency). This variant has not been reported in the literature in individuals affected with PLOD3-related conditions. Invitae Evidence Modeling of protein sequence and biophysical properties (such as structural, functional, and spatial information, amino acid conservation, physicochemical variation, residue mobility, and thermodynamic stability) indicates that this missense variant is not expected to disrupt PLOD3 protein function with a negative predictive value of 80%. In summary, the available evidence is currently insufficient to determine the role of this variant in disease. Therefore, it has been classified as a Variant of Uncertain Significance.